The following is an entry in ClinVar:

NM_001379500.1(COL18A1):c.107-12388C>T

Gene: COL18A1 (collagen type XVIII alpha 1 chain; plus strand). Cytogenetic location: 21q22.3.
Variant type: single nucleotide variant.
Coding change: c.107-12388C>T on transcript NM_001379500.1 (MANE Select); 12388 bases into the intron before coding-DNA position 107, C replaced by T.
Molecular consequence: intron variant. On other transcripts: synonymous variant (2).
Genome position (GRCh38, 1-based): chr21:45,455,854, C>T. VCF-style: chr21-45455854-C-T. GRCh37 (hg19) VCF-style: chr21-46875768-C-T.
Other names: c.324C>T (NM_030582.3); c.324C>T, p.Ala108= (NM_030582.4, NM_130444.3).
Identifiers: ClinVar variation 1545929 (VCV001545929.11), dbSNP rs370000815, ClinGen allele CA10065441.

ClinVar aggregate classification (germline): Likely benign. Review status: criteria provided, multiple submitters, no conflicts (2 of 4 stars). 3 submissions from 3 submitters: Likely benign (2). 1 of the submissions does not count toward it. Last evaluated 2026-01-26.

Conditions:
COL18A1-related disorder. Also called: COL18A1-related condition; COL18A1-related disorders.

Allele frequency attached by ClinVar (database versions not stated): ExAC 0.00006; TOPMed 0.00006; ESP Exome Variant Server 0.00008; gnomAD 0.00009; gnomAD exomes 0.00009 and 0.00017.
gnomAD v4.1: 257 of 1,613,042 alleles (0.016%); highest among the groups gnomAD compares: East Asian, 0.067%; no homozygotes.

Submissions (3):

Labcorp Genetics (formerly Invitae), Labcorp
Classification: Likely benign. Last evaluated: 2026-01-26. Review status: criteria provided, single submitter. Criteria: Invitae Variant Classification Sherloc (09022015). Collection method: clinical testing. Allele origin: germline.

Blueprint Genetics
Classification: Likely benign. Last evaluated: 2024-10-04. Review status: criteria provided, single submitter. Criteria: ACMG Guidelines, 2015. Collection method: clinical testing. Allele origin: germline.

PreventionGenetics, part of Exact Sciences
Classification: Likely benign for COL18A1-related condition. Last evaluated: 2019-10-04. Review status: no assertion criteria provided. Collection method: clinical testing. Allele origin: germline. Not counted in ClinVar's aggregate classification.
Comment: This variant is classified as likely benign based on ACMG/AMP sequence variant interpretation guidelines (Richards et al. 2015 PMID: 25741868, with internal and published modifications).